The following is an entry in ClinVar:

NM_000108.5(DLD):c.119-5C>T

Gene: DLD (dihydrolipoamide dehydrogenase; plus strand). Cytogenetic location: 7q31.1.
Variant type: single nucleotide variant.
Coding change: c.119-5C>T on transcript NM_000108.5 (MANE Select); 5 bases into the intron before coding-DNA position 119, C replaced by T.
Molecular consequence: intron variant.
Genome position (GRCh38, 1-based): chr7:107,901,733, C>T. VCF-style: chr7-107901733-C-T. GRCh37 (hg19) VCF-style: chr7-107542178-C-T.
Other names: c.119-5C>T (NM_001289752.1, NM_001289751.1, NM_000108.4); c.-30-1745C>T (NM_001289750.1).
Identifiers: ClinVar variation 1085479 (VCV001085479.11), dbSNP rs377653882, ClinGen allele CA4434368.

ClinVar aggregate classification (germline): Likely benign. Review status: criteria provided, single submitter (1 of 4 stars). 2 submissions from 2 submitters: Likely benign (1). 1 of the submissions does not count toward it. Last evaluated 2024-02-07.

Conditions:
DLD-related disorder. Also called: DLD-related condition; DLD-related disorders.
Pyruvate dehydrogenase E3 deficiency (DLDD). Also called: Lipoamide dehydrogenase deficiency, lactic acidosis due to; Lipoamide dehydrogenase deficiency; Dihydrolipoamide Dehydrogenase (E3) Deficiency; Dihydrolipoamide Dehydrogenase E3 Deficiency; E3 DEFICIENCY; DLD DEFICIENCY. Identifiers: Orphanet 2394, Orphanet 765, MedGen C5574660, MONDO:0009529, OMIM 246900.

Allele frequency attached by ClinVar (database versions not stated): gnomAD 0.00001; TOPMed 0.00001; ESP Exome Variant Server 0.00008; gnomAD exomes below 0.00001; ExAC 0.00001.

Submissions (2):

Labcorp Genetics (formerly Invitae), Labcorp
Classification: Likely benign for Pyruvate dehydrogenase E3 deficiency. Last evaluated: 2024-02-07. Review status: criteria provided, single submitter. Criteria: Invitae Variant Classification Sherloc (09022015). Collection method: clinical testing. Allele origin: germline.

PreventionGenetics, part of Exact Sciences
Classification: Likely benign for DLD-related condition. Last evaluated: 2020-12-14. Review status: no assertion criteria provided. Collection method: clinical testing. Allele origin: germline. Not counted in ClinVar's aggregate classification.
Comment: This variant is classified as likely benign based on ACMG/AMP sequence variant interpretation guidelines (Richards et al. 2015 PMID: 25741868, with internal and published modifications).